The following is an entry in ClinVar:

NM_005751.5(AKAP9):c.6797A>G (p.Lys2266Arg)

Gene: AKAP9 (A-kinase anchoring protein 9; plus strand). Cytogenetic location: 7q21.2.
Variant type: single nucleotide variant.
Coding change: c.6797A>G on transcript NM_005751.5 (MANE Select); coding-DNA position 6797, A replaced by G.
Protein change: p.Lys2266Arg; replaces lysine 2266 with arginine.
Molecular consequence: missense variant.
Genome position (GRCh38, 1-based): chr7:92,077,727, A>G. VCF-style: chr7-92077727-A-G. GRCh37 (hg19) VCF-style: chr7-91707041-A-G.
Other names: c.1442A>G, p.Lys481Arg (NM_001379277.1); c.6773A>G, p.Lys2258Arg (NM_147185.3); short protein forms K2266R, K2258R, K481R.
Identifiers: ClinVar variation 2757542 (VCV002757542.3), dbSNP rs2535239968, ClinGen allele CA368133602.

ClinVar aggregate classification (germline): Uncertain significance (1 of 4 stars; one submission).

Conditions:
Long QT syndrome (LQTS). Identifiers: MedGen C0023976, MeSH D008133, MONDO:0002442. Disease mechanism: loss of function. Inheritance: Various modes of inheritance.

Allele frequency attached by ClinVar (database versions not stated): gnomAD exomes below 0.00001.
gnomAD v4.1: 6 of 1,613,894 alleles (0.00037%); highest among the groups gnomAD compares: Non-Finnish European, 0.00051%; no homozygotes.

Submission:

Labcorp Genetics (formerly Invitae), Labcorp
Classification: Uncertain significance for Long QT syndrome. Last evaluated: 2023-12-08. Review status: criteria provided, single submitter. Criteria: Invitae Variant Classification Sherloc (09022015). Collection method: clinical testing. Allele origin: germline.
Comment: This sequence change replaces lysine, which is basic and polar, with arginine, which is basic and polar, at codon 2266 of the AKAP9 protein (p.Lys2266Arg). This variant is not present in population databases (gnomAD no frequency). This variant has not been reported in the literature in individuals affected with AKAP9-related conditions. An algorithm developed to predict the effect of missense changes on protein structure and function (PolyPhen-2) suggests that this variant is likely to be disruptive. In summary, the available evidence is currently insufficient to determine the role of this variant in disease. Therefore, it has been classified as a Variant of Uncertain Significance.